The following is an entry in ClinVar:

ClinVar aggregate classification (germline): Uncertain significance. Review status: criteria provided, multiple submitters, no conflicts (2 of 4 stars). 2 submissions from 2 submitters: Uncertain significance (2). Last evaluated 2024-06-20.

Allele frequency attached by ClinVar (database versions not stated): gnomAD exomes below 0.00001 and 0.00003; gnomAD 0.00004.

Submissions (2):

Women's Health and Genetics/Laboratory Corporation of America, LabCorp
Classification: Uncertain significance. Last evaluated: 2024-06-20. Review status: criteria provided, single submitter. Criteria: LabCorp Variant Classification Summary - May 2015. Collection method: clinical testing. Allele origin: germline.
Comment: Variant summary: OCA2 c.1897G>A (p.Val633Ile) results in a conservative amino acid change located in the citrate transporter-like domain (IPR004680) of the encoded protein sequence. Three of five in-silico tools predict a damaging effect of the variant on protein function. The variant allele was found at a frequency of 4e-06 in 251414 control chromosomes (gnomAD). The available data on variant occurrences in the general population are insufficient to allow any conclusion about variant significance. c.1897G>A has been reported in the literature in at least an individual affected with partial albinism (example: Simenov_2013). However, it is seen as a part of complex allele with other pathogenic variants in this individual. These report(s) do not provide unequivocal conclusions about association of the variant with Oculocutaneous Albinism. To our knowledge, no experimental evidence demonstrating an impact on protein function has been reported. The following publication has been ascertained in the context of this evaluation (PMID: 23504663). ClinVar contains an entry for this variant (Variation ID: 1397522). Based on the evidence outlined above, the variant was classified as uncertain significance.

Labcorp Genetics (formerly Invitae), Labcorp
Classification: Uncertain significance. Last evaluated: 2021-08-14. Review status: criteria provided, single submitter. Criteria: Invitae Variant Classification Sherloc (09022015). Collection method: clinical testing. Allele origin: germline.
Comment: This sequence change replaces valine with isoleucine at codon 633 of the OCA2 protein (p.Val633Ile). The valine residue is highly conserved and there is a small physicochemical difference between valine and isoleucine. This variant is not present in population databases (ExAC no frequency). This variant has been observed in individual(s) with oculocutaneous albinism (PMID: 23504663). Advanced modeling of protein sequence and biophysical properties (such as structural, functional, and spatial information, amino acid conservation, physicochemical variation, residue mobility, and thermodynamic stability) performed at Invitae indicates that this missense variant is expected to disrupt OCA2 protein function. In summary, the available evidence is currently insufficient to determine the role of this variant in disease. Therefore, it has been classified as a Variant of Uncertain Significance.

Literature cited by the submitters: PubMed 23504663 (cited by Women's Health and Genetics/Laboratory Corporation of America, LabCorp and Labcorp Genetics (formerly Invitae), Labcorp).

NM_000275.3(OCA2):c.1897G>A (p.Val633Ile)

Gene: OCA2 (OCA2 melanosomal transmembrane protein; minus strand). Cytogenetic location: 15q13.1.
Variant type: single nucleotide variant.
Coding change: c.1897G>A on transcript NM_000275.3 (MANE Select); coding-DNA position 1897, G replaced by A.
Protein change: p.Val633Ile; replaces valine 633 with isoleucine.
Molecular consequence: missense variant.
Genome position (GRCh38, 1-based): chr15:27,951,838, C>T on the plus strand (G>A on the coding strand, the complement: OCA2 is on the minus strand). VCF-style: chr15-27951838-C-T. GRCh37 (hg19) VCF-style: chr15-28196984-C-T.
Other names: c.1825G>A, p.Val609Ile (NM_001300984.2); short protein forms V633I, V609I.
Identifiers: ClinVar variation 1397522 (VCV001397522.6), dbSNP rs1372200062, ClinGen allele CA391364413.
Genomic context (GRCh38, chr15:27,951,838, plus strand): 5'-ACTCACCAAGATCAAGATGAATGCCAGGGACAAACGAATTGAGGAAAAACATGAAGATAA[C>T]AAATCCCAACACTGTCAGGCATTTGGCGAGCAGAATCCCGTCAGATATCCTATGCTGTAA-3'
Protein context (NP_000266.2, residues 623-643): LAKCLTVLGF[Val633Ile]IFMFFLNSFV